The following is an entry in ClinVar:

NM_001040142.2(SCN2A):c.5752C>A (p.Arg1918Ser)

Gene: SCN2A (sodium voltage-gated channel alpha subunit 2; plus strand). Cytogenetic location: 2q24.3.
Variant type: single nucleotide variant.
Coding change: c.5752C>A on transcript NM_001040142.2 (MANE Select); coding-DNA position 5752, C replaced by A.
Protein change: p.Arg1918Ser; replaces arginine 1918 with serine.
Molecular consequence: missense variant.
Genome position (GRCh38, 1-based): chr2:165,389,558, C>A. VCF-style: chr2-165389558-C-A. GRCh37 (hg19) VCF-style: chr2-166246068-C-A.
Other names: c.5752C>A, p.Arg1918Ser (NM_001040143.2, NM_001371246.1, NM_001371247.1 and 1 more transcripts); short protein forms R1918S.
Identifiers: ClinVar variation 1318777 (VCV001318777.2), dbSNP rs139899756, ClinGen allele CA349040128.

ClinVar aggregate classification (germline): Uncertain significance (1 of 4 stars; one submission).

gnomAD v4.1: 2 of 1,613,850 alleles (0.00012%); highest among the groups gnomAD compares: South Asian, 0.0011%; no homozygotes.

Submission:

GeneDx
Classification: Uncertain significance. Last evaluated: 2019-09-24. Review status: criteria provided, single submitter. Criteria: GeneDx Variant Classification Process June 2021. Collection method: clinical testing. Allele origin: germline. Affected: yes.
Comment: Not observed in large population cohorts (Lek et al., 2016); The majority of missense variants in this gene are considered pathogenic (Stenson et al., 2014); In silico analysis, which includes protein predictors and evolutionary conservation, supports that this variant does not alter protein structure/function; Has not been previously published as pathogenic or benign to our knowledge; This substitution is predicted to be within the C-terminal cytoplasmic domain